The following is an entry in ClinVar:

ClinVar aggregate classification (germline): Uncertain significance (1 of 4 stars; one submission).

Submission:

Women's Health and Genetics/Laboratory Corporation of America, LabCorp
Classification: Uncertain significance. Last evaluated: 2024-07-12. Review status: criteria provided, single submitter. Criteria: LabCorp Variant Classification Summary - May 2015. Collection method: clinical testing. Allele origin: germline.
Comment: Variant summary: C16orf89 c.617G>A (p.Trp206X) results in a premature termination codon, predicted to cause absence of the protein due to nonsense mediated decay, however the molecular mechanism of disease attributed to C16orf89 is currently unknown. The variant allele was found at a frequency of 3.2e-05 in 31368 control chromosomes. The available data on variant occurrences in the general population are insufficient to allow any conclusion about variant significance. To our knowledge, no occurrence of c.617G>A in individuals affected with C16orf89-Related Disorders and no experimental evidence demonstrating its impact on protein function have been reported. No submitters have cited clinical-significance assessments for this variant to ClinVar. Based on the evidence outlined above, the variant was classified as uncertain significance.

NM_001098514.3(C16orf89):c.617G>A (p.Trp206Ter)

Gene: C16orf89 (chromosome 16 open reading frame 89; minus strand). Cytogenetic location: 16p13.3.
Variant type: single nucleotide variant.
Coding change: c.617G>A on transcript NM_001098514.3 (MANE Select); coding-DNA position 617, G replaced by A.
Protein change: p.Trp206Ter; replaces tryptophan 206 with a stop codon.
Molecular consequence: nonsense.
Genome position (GRCh38, 1-based): chr16:5,058,503, C>T on the plus strand (G>A on the coding strand, the complement: C16orf89 is on the minus strand). VCF-style: chr16-5058503-C-T. GRCh37 (hg19) VCF-style: chr16-5108504-C-T.
Other names: c.617G>A, p.Trp206Ter (NM_152459.5); short protein forms W206*.
Identifiers: ClinVar variation 3338919 (VCV003338919.1).
Genomic context (GRCh38, chr16:5,058,503, plus strand): 5'-CTTTTTCCTTCCCCTTCCCCTGGCACGGCGGGGGCTCCCTGGGCACTCACCATTCTGGCC[C>T]AGAGGAAGAAGAGCAGTTGGTGGGACAGGCAGTAGCCTGAGCAGCCGGGCTTGGTCATGA-3'